The following is an entry in ClinVar:

ClinVar aggregate classification (germline): Uncertain significance (1 of 4 stars; one submission).

gnomAD v4.1: 3 of 1,572,110 alleles (0.00019%); highest among the groups gnomAD compares: Admixed American, 0.0036%; no homozygotes.

Submission:

Ambry Genetics
Classification: Uncertain significance. Last evaluated: 2025-04-18. Review status: criteria provided, single submitter. Criteria: Ambry Variant Classification Scheme 2023. Collection method: clinical testing. Allele origin: germline.
Comment: The p.Y255C variant (also known as c.764A>G), located in coding exon 3 of the GFI1 gene, results from an A to G substitution at nucleotide position 764. The tyrosine at codon 255 is replaced by cysteine, an amino acid with highly dissimilar properties. This amino acid position is conserved. In addition, the in silico prediction for this alteration is inconclusive. Based on the available evidence, the clinical significance of this variant remains unclear.

NM_005263.5(GFI1):c.764A>G (p.Tyr255Cys)

Gene: GFI1 (growth factor independent 1 transcriptional repressor; minus strand). Cytogenetic location: 1p22.1.
Variant type: single nucleotide variant.
Coding change: c.764A>G on transcript NM_005263.5 (MANE Select); coding-DNA position 764, A replaced by G.
Protein change: p.Tyr255Cys; replaces tyrosine 255 with cysteine.
Molecular consequence: missense variant.
Genome position (GRCh38, 1-based): chr1:92,480,623, T>C on the plus strand (A>G on the coding strand, the complement: GFI1 is on the minus strand). VCF-style: chr1-92480623-T-C. GRCh37 (hg19) VCF-style: chr1-92946180-T-C.
Other names: c.764A>G, p.Tyr255Cys (NM_001127215.3, NM_001127216.3); short protein forms Y255C.
Identifiers: ClinVar variation 4029400 (VCV004029400.1).
Genomic context (GRCh38, chr1:92,480,623, plus strand): 5'-GCGCACGGCAGGCGAGGTGGTGAGCTCGGGAGCCTCACCTTGCTGCACTTGATGCACTTG[T>C]AGGAGCCGCCGCCCAGCAGCAGGCGGGTGCACAGCAGCTCCGACTCCACCTTGACGCCAG-3'
Protein context (NP_005254.2, residues 245-265): CTRLLLGGGS[Tyr255Cys]KCIKCSKVFS